The following is an entry in ClinVar:

ClinVar aggregate classification (germline): Uncertain significance (0 of 4 stars; one submission).

Conditions:
BLK-related disorder. Also called: BLK-related condition.

gnomAD v4.1: 1 of 1,614,140 alleles (0.000062%); no homozygotes.

Submission:

PreventionGenetics, part of Exact Sciences
Classification: Uncertain significance for BLK-related condition. Last evaluated: 2024-07-12. Review status: no assertion criteria provided. Collection method: clinical testing. Allele origin: germline.
Comment: The BLK c.137A>G variant is predicted to result in the amino acid substitution p.His46Arg. To our knowledge, this variant has not been reported in the literature or in a large population database, indicating this variant is rare. At this time, the clinical significance of this variant is uncertain due to the absence of conclusive functional and genetic evidence.

NM_001715.3(BLK):c.137A>G (p.His46Arg)

Gene: BLK (BLK proto-oncogene, Src family tyrosine kinase). Cytogenetic location: 8p23.1.
Variant type: single nucleotide variant.
Coding change: c.137A>G on transcript NM_001715.3 (MANE Select); coding-DNA position 137, A replaced by G.
Protein change: p.His46Arg; replaces histidine 46 with arginine.
Molecular consequence: missense variant. On other transcripts: 5 prime UTR variant (1).
Genome position (GRCh38, 1-based): chr8:11,546,065, A>G. VCF-style: chr8-11546065-A-G. GRCh37 (hg19) VCF-style: chr8-11403574-A-G.
Other names: c.-77A>G (NM_001330465.2); short protein forms H46R.
Identifiers: ClinVar variation 3346564 (VCV003346564.1).